The following is an entry in ClinVar:

NM_170743.4(IFNLR1):c.183-3C>G

Gene: IFNLR1 (interferon lambda receptor 1; minus strand). Cytogenetic location: 1p36.11.
Variant type: single nucleotide variant.
Coding change: c.183-3C>G on transcript NM_170743.4 (MANE Select); 3 bases into the intron before coding-DNA position 183, C replaced by G.
Molecular consequence: intron variant.
Genome position (GRCh38, 1-based): chr1:24,169,604, G>C on the plus strand (C>G on the coding strand, the complement: IFNLR1 is on the minus strand). VCF-style: chr1-24169604-G-C. GRCh37 (hg19) VCF-style: chr1-24496094-G-C.
Other names: c.183-3C>G (NM_173065.3, NM_173064.3).
Identifiers: ClinVar variation 4979857 (VCV004979857.1).

ClinVar aggregate classification (germline): Uncertain significance (1 of 4 stars; one submission).

Conditions:
IFNLR1-related disorder. Also called: IFNLR1-related condition.

Submission:

PreventionGenetics, part of Exact Sciences
Classification: Uncertain significance for IFNLR1-related condition. Last evaluated: 2026-01-06. Review status: criteria provided, single submitter. Criteria: ACMG Guidelines, 2015. Collection method: clinical testing. Allele origin: germline.
Comment: The IFNLR1 c.183-3C>G variant is predicted to interfere with splicing. To our knowledge, this variant has not been reported in the literature. This variant is reported in 0.0088% of alleles in individuals of Latino descent in gnomAD. At this time, the clinical significance of this variant is uncertain due to the absence of conclusive functional and genetic evidence.